The following is an entry in ClinVar:

ClinVar aggregate classification (germline): Pathogenic/Likely pathogenic. Review status: criteria provided, multiple submitters, no conflicts (2 of 4 stars). 2 submissions from 2 submitters: Pathogenic (1); Likely pathogenic (1). Last evaluated 2025-05-22.

Conditions:
Charcot-Marie-Tooth disease type 4. Also called: Charcot-Marie-Tooth, Type 4; Charcot-Marie-Tooth disease, type IV. Identifiers: Orphanet 64749, MedGen C4082197, MONDO:0018995.

Allele frequency attached by ClinVar (database versions not stated): ExAC 0.00001; TOPMed 0.00002; ESP Exome Variant Server 0.00008.

Submissions (2):

ARUP Laboratories, Molecular Genetics and Genomics, ARUP Laboratories
Classification: Likely pathogenic. Last evaluated: 2025-05-22. Review status: criteria provided, single submitter. Criteria: ARUP Molecular Germline Variant Investigation Process 2024. Collection method: clinical testing. Allele origin: germline.
Comment: The PRX c.1574del; p.Val525GlyfsTer4 variant (rs752095452), to our knowledge, is not reported in the medical literature but is reported in ClinVar (Variation ID: 1449944). This variant is absent from the Genome Aggregation Database (v2.1.1), indicating it is not a common polymorphism. This variant results in a premature termination codon in the last exon of the PRX gene. While this may not lead to nonsense-mediated decay, it is expected to create a truncated PRX protein. Additionally, downstream truncating variants have been described in individuals with Charcot-Marie-Tooth disease or Dejerine-Sottas disease. Based on available information, this variant is considered to be likely pathogenic.

Labcorp Genetics (formerly Invitae), Labcorp
Classification: Pathogenic for Charcot-Marie-Tooth disease type 4. Last evaluated: 2021-04-23. Review status: criteria provided, single submitter. Criteria: Invitae Variant Classification Sherloc (09022015). Collection method: clinical testing. Allele origin: germline.
Comment: This sequence change creates a premature translational stop signal (p.Val525Glyfs*4) in the PRX gene. While this is not anticipated to result in nonsense mediated decay, it is expected to disrupt the last 937 amino acid(s) of the PRX protein. For these reasons, this variant has been classified as Pathogenic. This variant disrupts the C-terminus of the PRX protein. Other variant(s) that disrupt this region (p.Ile1096Trpfs*18) have been determined to be pathogenic (PMID: 18410371, Invitae). This suggests that variants that disrupt this region of the protein are likely to be causative of disease. Algorithms developed to predict the effect of sequence changes on RNA splicing suggest that this variant may create or strengthen a splice site, but this prediction has not been confirmed by published transcriptional studies. This variant has not been reported in the literature in individuals with PRX-related conditions. This variant is present in population databases (rs752095452, ExAC 0.01%).

Literature cited by the submitters: PubMed 18410371 (cited by Labcorp Genetics (formerly Invitae), Labcorp).

NM_181882.3(PRX):c.1574del (p.Val525fs)

Gene: PRX (periaxin; minus strand). Cytogenetic location: 19q13.2.
Variant type: Deletion.
Coding change: c.1574del on transcript NM_181882.3 (MANE Select); coding-DNA position 1574, one base deleted (T; older notation c.1574delT).
Protein change: p.Val525fs; shifts the reading frame from valine 525.
Molecular consequence: frameshift variant. On other transcripts: 3 prime UTR variant (1).
Genome position (GRCh38, 1-based): chr19:40,396,778, A deleted on the plus strand (T on the coding strand, the reverse complement: PRX is on the minus strand). VCF-style (leftmost placement, unchanged base first): chr19-40396777-CA-C. GRCh37 (hg19) VCF-style: chr19-40902684-CA-C.
Other names: c.*1779del (NM_020956.2); short protein forms V525fs.
Identifiers: ClinVar variation 1449944 (VCV001449944.9), dbSNP rs752095452, ClinGen allele CA9444238.